The following is an entry in ClinVar:

NM_021072.4(HCN1):c.2023C>A (p.His675Asn)

Gene: HCN1 (hyperpolarization activated cyclic nucleotide gated potassium channel 1; minus strand). Cytogenetic location: 5p12.
Variant type: single nucleotide variant.
Coding change: c.2023C>A on transcript NM_021072.4 (MANE Select); coding-DNA position 2023, C replaced by A.
Protein change: p.His675Asn; replaces histidine 675 with asparagine.
Molecular consequence: missense variant.
Genome position (GRCh38, 1-based): chr5:45,262,571, G>T on the plus strand (C>A on the coding strand, the complement: HCN1 is on the minus strand). VCF-style: chr5-45262571-G-T. GRCh37 (hg19) VCF-style: chr5-45262673-G-T.
Other names: short protein forms H675N.
Identifiers: ClinVar variation 3368843 (VCV003368843.1).

ClinVar aggregate classification (germline): Uncertain significance (1 of 4 stars; one submission).

Submission:

GeneDx
Classification: Uncertain significance. Last evaluated: 2024-02-06. Review status: criteria provided, single submitter. Criteria: GeneDx Variant Classification Process June 2021. Collection method: clinical testing. Allele origin: germline. Affected: yes.
Comment: Not observed at significant frequency in large population cohorts (gnomAD); In silico analysis supports that this missense variant does not alter protein structure/function; Has not been previously published as pathogenic or benign to our knowledge